The following is an entry in ClinVar:

NM_001122681.2(SH3BP2):c.1342T>C (p.Tyr448His)

Gene: SH3BP2 (SH3 domain binding protein 2; plus strand). Cytogenetic location: 4p16.3.
Variant type: single nucleotide variant.
Coding change: c.1342T>C on transcript NM_001122681.2 (MANE Select); coding-DNA position 1342, T replaced by C.
Protein change: p.Tyr448His; replaces tyrosine 448 with histidine.
Molecular consequence: missense variant.
Genome position (GRCh38, 1-based): chr4:2,831,671, T>C. VCF-style: chr4-2831671-T-C. GRCh37 (hg19) VCF-style: chr4-2833398-T-C.
Other names: p.Tyr448His; c.1426T>C, p.Tyr476His (NM_001145855.2); c.1513T>C, p.Tyr505His (NM_001145856.2); c.1342T>C, p.Tyr448His (NM_003023.4); short protein forms Y448H, Y476H, Y505H.
Identifiers: ClinVar variation 1920159 (VCV001920159.6), dbSNP rs1473887092, ClinGen allele CA356057977.

ClinVar aggregate classification (germline): Uncertain significance. Review status: criteria provided, multiple submitters, no conflicts (2 of 4 stars). 2 submissions from 2 submitters: Uncertain significance (2). Last evaluated 2024-06-29.

Conditions:
Fibrous dysplasia of jaw (CRBM). Also called: Cherubism. Identifiers: Orphanet 184, MedGen C0008029, MONDO:0007315, OMIM 118400.

Allele frequency attached by ClinVar (database versions not stated): gnomAD exomes below 0.00001.
gnomAD v4.1: 3 of 1,588,924 alleles (0.00019%); highest among the groups gnomAD compares: Non-Finnish European, 0.00026%; no homozygotes.

Submissions (2):

Labcorp Genetics (formerly Invitae), Labcorp
Classification: Uncertain significance for Fibrous dysplasia of jaw. Last evaluated: 2024-06-29. Review status: criteria provided, single submitter. Criteria: Invitae Variant Classification Sherloc (09022015). Collection method: clinical testing. Allele origin: germline.
Comment: This sequence change replaces tyrosine, which is neutral and polar, with histidine, which is basic and polar, at codon 448 of the SH3BP2 protein (p.Tyr448His). This variant is not present in population databases (gnomAD no frequency). This variant has not been reported in the literature in individuals affected with SH3BP2-related conditions. ClinVar contains an entry for this variant (Variation ID: 1920159). Advanced modeling of protein sequence and biophysical properties (such as structural, functional, and spatial information, amino acid conservation, physicochemical variation, residue mobility, and thermodynamic stability) performed at Invitae indicates that this missense variant is not expected to disrupt SH3BP2 protein function with a negative predictive value of 80%. In summary, the available evidence is currently insufficient to determine the role of this variant in disease. Therefore, it has been classified as a Variant of Uncertain Significance.

Mayo Clinic Laboratories, Mayo Clinic
Classification: Uncertain significance. Last evaluated: 2022-12-05. Review status: criteria provided, single submitter. Criteria: ACMG Guidelines, 2015. Collection method: clinical testing. Allele origin: germline. Observed: 1 variant allele.
Comment: PP3, PM2_supporting

Literature cited by the submitters: PubMed 28904407 (cited by Mayo Clinic Laboratories, Mayo Clinic).